The following is an entry in ClinVar:

ClinVar aggregate classification (germline): Likely benign. Review status: criteria provided, multiple submitters, no conflicts (2 of 4 stars). 3 submissions from 3 submitters: Likely benign (2). 1 of the submissions does not count toward it. Last evaluated 2026-01-11.

Conditions:
Multiple endocrine neoplasia type 4. Also called: MULTIPLE ENDOCRINE NEOPLASIA, TYPE IV. Identifiers: Orphanet 276152, MedGen C1970712, MONDO:0012552, OMIM 610755.
Hereditary cancer-predisposing syndrome. Also called: Tumor predisposition; Hereditary neoplastic syndrome; Neoplastic Syndromes, Hereditary; Hereditary Cancer Syndrome. Identifiers: Orphanet 140162, MedGen C0027672, MeSH D009386, MONDO:0015356.
CDKN1B-related disorder. Also called: CDKN1B-related condition.

Allele frequency attached by ClinVar (database versions not stated): gnomAD exomes below 0.00001; ExAC 0.00002; gnomAD 0.00007 and 0.00009; TOPMed 0.00007; ESP Exome Variant Server 0.00023.
gnomAD v4.1: 14 of 1,614,132 alleles (0.00087%); highest among the groups gnomAD compares: African/African-American, 0.019%; no homozygotes.

Submissions (3):

Labcorp Genetics (formerly Invitae), Labcorp
Classification: Likely benign for Multiple endocrine neoplasia type 4. Last evaluated: 2026-01-11. Review status: criteria provided, single submitter. Criteria: Invitae Variant Classification Sherloc (09022015). Collection method: clinical testing. Allele origin: germline.

Ambry Genetics
Classification: Likely benign for Hereditary cancer-predisposing syndrome. Last evaluated: 2021-04-13. Review status: criteria provided, single submitter. Criteria: Ambry Variant Classification Scheme 2023. Collection method: clinical testing. Allele origin: germline.

PreventionGenetics, part of Exact Sciences
Classification: Likely benign for CDKN1B-related condition. Last evaluated: 2024-09-28. Review status: no assertion criteria provided. Collection method: clinical testing. Allele origin: germline. Not counted in ClinVar's aggregate classification.
Comment: This variant is classified as likely benign based on ACMG/AMP sequence variant interpretation guidelines (Richards et al. 2015 PMID: 25741868, with internal and published modifications).

NM_004064.5(CDKN1B):c.177G>A (p.Lys59=)

Gene: CDKN1B (cyclin dependent kinase inhibitor 1B; plus strand). Cytogenetic location: 12p13.1.
Variant type: single nucleotide variant.
Coding change: c.177G>A on transcript NM_004064.5 (MANE Select); coding-DNA position 177, G replaced by A.
Protein change: p.Lys59=; no amino-acid change (lysine 59 retained).
Molecular consequence: synonymous variant.
Genome position (GRCh38, 1-based): chr12:12,718,016, G>A. VCF-style: chr12-12718016-G-A. GRCh37 (hg19) VCF-style: chr12-12870950-G-A.
Identifiers: ClinVar variation 707397 (VCV000707397.14), dbSNP rs140927518, ClinGen allele CA6457405.